The following is an entry in ClinVar:

NM_001323289.2(CDKL5):c.58G>A (p.Gly20Ser)

Gene: CDKL5 (cyclin dependent kinase like 5; plus strand). Cytogenetic location: Xp22.13.
Variant type: single nucleotide variant.
Coding change: c.58G>A on transcript NM_001323289.2 (MANE Select); coding-DNA position 58, G replaced by A.
Protein change: p.Gly20Ser; replaces glycine 20 with serine.
Molecular consequence: missense variant.
Genome position (GRCh38, 1-based): chrX:18,507,154, G>A. VCF-style: chrX-18507154-G-A. GRCh37 (hg19) VCF-style: chrX-18525274-G-A.
Other names: c.58G>A, p.Gly20Ser (NM_001037343.2, NM_003159.3); short protein forms G20S.
Identifiers: ClinVar variation 844687 (VCV000844687.7), dbSNP rs267608418, ClinGen allele CA412489608.
Genomic context (GRCh38, chrX:18,507,154, plus strand): 5'-TTCATGAAGATTCCTAACATTGGTAATGTGATGAATAAATTTGAGATCCTTGGGGTTGTA[G>A]GTGAAGGTAAGTTGGAATTTTTGCGTTCCTTGAGTTTTGAGCAATGAACAGTTAGTTATT-3'
Protein context (NP_001310218.1, residues 10-30): MNKFEILGVV[Gly20Ser]EGAYGVVLKC

ClinVar aggregate classification (germline): Likely pathogenic (1 of 4 stars; one submission).

Conditions:
Developmental and epileptic encephalopathy, 2 (DEE2). Also called: INFANTILE SPASM SYNDROME, X-LINKED 2; CDKL5 deficiency disorder. Identifiers: Orphanet 1934, Orphanet 3451, Orphanet 505652, MedGen C4750718, MONDO:0010396, OMIM 300672.
Angelman syndrome-like. Identifiers: MedGen CN128785.

Submissions (2):

Labcorp Genetics (formerly Invitae), Labcorp
Classification: Likely pathogenic for Developmental and epileptic encephalopathy, 2; Angelman syndrome-like. Last evaluated: 2022-01-19. Review status: criteria provided, single submitter. Criteria: Invitae Variant Classification Sherloc (09022015). Collection method: clinical testing. Allele origin: germline.
Comment: This sequence change replaces glycine, which is neutral and non-polar, with serine, which is neutral and polar, at codon 20 of the CDKL5 protein (p.Gly20Ser). This variant is not present in population databases (gnomAD no frequency). This variant has not been reported in the literature in individuals affected with CDKL5-related conditions. ClinVar contains an entry for this variant (Variation ID: 844687). Advanced modeling of protein sequence and biophysical properties (such as structural, functional, and spatial information, amino acid conservation, physicochemical variation, residue mobility, and thermodynamic stability) performed at Invitae indicates that this missense variant is expected to disrupt CDKL5 protein function. Algorithms developed to predict the effect of sequence changes on RNA splicing suggest that this variant may create or strengthen a splice site. This variant disrupts the p.Gly20 amino acid residue in CDKL5. Other variant(s) that disrupt this residue have been determined to be pathogenic (PMID: 20397747, 23064044, 29420175). This suggests that this residue is clinically significant, and that variants that disrupt this residue are likely to be disease-causing. In summary, the currently available evidence indicates that the variant is pathogenic, but additional data are needed to prove that conclusively. Therefore, this variant has been classified as Likely Pathogenic.

Dr. Peter K. Rogan Lab, Western University
No classification provided (evidence only). Condition: Thyroid cancer, nonmedullary, 1. Review status: no classification provided. Collection method: in vitro. Allele origin: not applicable. Functional consequence: retained intron. Not counted in ClinVar's aggregate classification.

Literature cited by the submitters: PubMed 20397747 (cited by Labcorp Genetics (formerly Invitae), Labcorp); PubMed 23064044 (cited by Labcorp Genetics (formerly Invitae), Labcorp); PubMed 29420175 (cited by Labcorp Genetics (formerly Invitae), Labcorp).